The following is an entry in ClinVar:

ClinVar aggregate classification (germline): Uncertain significance (1 of 4 stars; one submission).

Conditions:
Inborn genetic diseases. Identifiers: MedGen C0950123, MeSH D030342.

Submission:

Ambry Genetics
Classification: Uncertain significance for Inborn genetic diseases. Last evaluated: 2026-03-28. Review status: criteria provided, single submitter. Criteria: Ambry Variant Classification Scheme 2023. Collection method: clinical testing. Allele origin: germline.
Comment: The p.L239M variant (also known as c.715C>A), located in coding exon 8 of the AKT1 gene, results from a C to A substitution at nucleotide position 715. The leucine at codon 239 is replaced by methionine, an amino acid with highly similar properties. This amino acid position is conserved. In addition, the in silico prediction for this alteration is inconclusive. Based on the available evidence, the clinical significance of this variant remains unclear.

NM_001382430.1(AKT1):c.715C>A (p.Leu239Met)

Gene: AKT1 (AKT serine/threonine kinase 1; minus strand). Cytogenetic location: 14q32.33.
Variant type: single nucleotide variant.
Coding change: c.715C>A on transcript NM_001382430.1 (MANE Select); coding-DNA position 715, C replaced by A.
Protein change: p.Leu239Met; replaces leucine 239 with methionine.
Molecular consequence: missense variant.
Genome position (GRCh38, 1-based): chr14:104,773,568, G>T on the plus strand (C>A on the coding strand, the complement: AKT1 is on the minus strand). VCF-style: chr14-104773568-G-T. GRCh37 (hg19) VCF-style: chr14-105239905-G-T.
Other names: c.715C>A, p.Leu239Met (NM_001014432.2, NM_001382431.1, NM_001382432.1 and 3 more transcripts); short protein forms L239M.
Identifiers: ClinVar variation 4869207 (VCV004869207.1).
Genomic context (GRCh38, chr14:104,773,568, plus strand): 5'-ACACAATCTCAGCGCCATAGAAGCGGGCCCGGTCCTCGGAGAACACACGCTCCCGGGACA[G>T]GTGGAAGAACAGCTGCGGGAGGCGCAACCTGAGGCACAGCCGTGGCTCGGGCCTCTGCCC-3'
Protein context (NP_001369359.1, residues 229-249): YANGGELFFH[Leu239Met]SRERVFSEDR